The following is an entry in ClinVar:

ClinVar aggregate classification (germline): Uncertain significance (1 of 4 stars; one submission).

Conditions:
Hereditary cancer-predisposing syndrome. Also called: Tumor predisposition; Hereditary Cancer Syndrome; Hereditary neoplastic syndrome; Neoplastic Syndromes, Hereditary. Identifiers: Orphanet 140162, MedGen C0027672, MeSH D009386, MONDO:0015356.

Submission:

Ambry Genetics
Classification: Uncertain significance for Hereditary cancer-predisposing syndrome. Last evaluated: 2023-09-05. Review status: criteria provided, single submitter. Criteria: Ambry Variant Classification Scheme 2023. Collection method: clinical testing. Allele origin: germline.
Comment: The p.M459T variant (also known as c.1376T>C), located in coding exon 10 of the POLD1 gene, results from a T to C substitution at nucleotide position 1376. The methionine at codon 459 is replaced by threonine, an amino acid with similar properties. This amino acid position is conserved. In addition, this alteration is predicted to be tolerated by in silico analysis. Since supporting evidence is limited at this time, the clinical significance of this alteration remains unclear.

NM_002691.4(POLD1):c.1376T>C (p.Met459Thr)

Gene: POLD1 (DNA polymerase delta 1, catalytic subunit; plus strand). Cytogenetic location: 19q13.33.
Variant type: single nucleotide variant.
Coding change: c.1376T>C on transcript NM_002691.4 (MANE Select); coding-DNA position 1376, T replaced by C.
Protein change: p.Met459Thr; replaces methionine 459 with threonine.
Molecular consequence: missense variant. On other transcripts: non-coding transcript variant (1).
Genome position (GRCh38, 1-based): chr19:50,406,315, T>C. VCF-style: chr19-50406315-T-C. GRCh37 (hg19) VCF-style: chr19-50909572-T-C.
Other names: c.1376T>C, p.Met459Thr (NM_001256849.1, NM_001308632.1); short protein forms M459T.
Identifiers: ClinVar variation 2625406 (VCV002625406.2), dbSNP rs2122321908, ClinGen allele CA406979983.